The following is an entry in ClinVar:

NM_000382.3(ALDH3A2):c.186dup (p.Thr63fs)

Gene: ALDH3A2 (aldehyde dehydrogenase 3 family member A2; plus strand). Cytogenetic location: 17p11.2.
Variant type: Duplication.
Coding change: c.186dup on transcript NM_000382.3 (MANE Select); coding-DNA position 186, one base duplicated (T; older notation c.186dupT).
Protein change: p.Thr63fs; shifts the reading frame from threonine 63.
Molecular consequence: frameshift variant. On other transcripts: 5 prime UTR variant (1).
Genome position (GRCh38, 1-based): chr17:19,651,579, T duplicated; the last of 2 consecutive T bases (chr17:19,651,578-19,651,579); duplicating either gives the same sequence. VCF-style (leftmost placement, unchanged base first): chr17-19651577-A-AT. GRCh37 (hg19) VCF-style: chr17-19554890-A-AT.
Other names: c.186dup, p.Thr63fs (NM_001031806.2, NM_001369136.1, NM_001369137.2 and 3 more transcripts); c.-503dup (NM_001369148.2); short protein forms T63fs.
Identifiers: ClinVar variation 5014076 (VCV005014076.1).

ClinVar aggregate classification (germline): Pathogenic (1 of 4 stars; one submission).

Conditions:
Sjögren-Larsson syndrome (SLS). Also called: FALDH DEFICIENCY; FATTY ALCOHOL:NAD+ OXIDOREDUCTASE DEFICIENCY; FATTY ALDEHYDE DEHYDROGENASE DEFICIENCY; ICHTHYOSIS, SPASTIC NEUROLOGIC DISORDER, AND OLIGOPHRENIA. Identifiers: Orphanet 816, MedGen C0037231, MONDO:0010031, OMIM 270200.

Submission:

Myriad Genetics, Inc.
Classification: Pathogenic for Sjögren-Larsson syndrome. Last evaluated: 2025-02-09. Review status: criteria provided, single submitter. Criteria: Myriad Autosomal Dominant, Autosomal Recessive and X-Linked Classification Criteria (2023). Collection method: clinical testing. Allele origin: unknown.
Comment: NM_000382.2(ALDH3A2):c.186dupT(T63Yfs*7) is expected to be pathogenic in the context of Sjogren-Larsson syndrome. This variant is predicted to lead to an abnormal or absent protein product due to the creation of a premature termination codon in ALDH3A2, a gene where loss-of-function variants are known to be pathogenic. Please note: this variant was assessed in the context of healthy population screening.